The following is an entry in ClinVar:

NM_015662.3(IFT172):c.2757C>T (p.Ala919=)

Genes: IFT172 (intraflagellar transport 172; minus strand), LOC126806174 (CDK7 strongly-dependent group 2 enhancer GRCh37_chr2:27681686-27682885; plus strand). Cytogenetic location: 2p23.3.
Variant type: single nucleotide variant.
Coding change: c.2757C>T on transcript NM_015662.3 (MANE Select); coding-DNA position 2757, C replaced by T.
Protein change: p.Ala919=; no amino-acid change (alanine 919 retained).
Molecular consequence: synonymous variant.
Genome position (GRCh38, 1-based): chr2:27,459,408, G>A on the plus strand (C>T on the coding strand, the complement: IFT172 is on the minus strand). VCF-style: chr2-27459408-G-A. GRCh37 (hg19) VCF-style: chr2-27682275-G-A.
Other names: c.2691C>T, p.Ala897= (NM_001410739.1); c.2757C>T (NM_015662.2).
Identifiers: ClinVar variation 3750107 (VCV003750107.3).

ClinVar aggregate classification (germline): Likely benign. Review status: criteria provided, multiple submitters, no conflicts (2 of 4 stars). 2 submissions from 2 submitters: Likely benign (2). Last evaluated 2026-06-18.

Conditions:
IFT172-related disorder. Also called: IFT172-related condition; IFT172-related disorders.
Short-rib thoracic dysplasia 10 with or without polydactyly (SRTD10). Identifiers: Orphanet 474, MedGen C3810175, MONDO:0014284, OMIM 615630.
Retinitis pigmentosa 71 (RP71). Identifiers: Orphanet 791, MedGen C4225342, MONDO:0014618, OMIM 616394.

gnomAD v4.1: 3 of 1,614,116 alleles (0.00019%); highest among the groups gnomAD compares: Middle Eastern, 0.049%; 1 homozygote.

Submissions (2):

PreventionGenetics, part of Exact Sciences
Classification: Likely benign for IFT172-related condition. Last evaluated: 2026-06-18. Review status: criteria provided, single submitter. Criteria: ACMG Guidelines, 2015. Collection method: clinical testing. Allele origin: germline.
Comment: This variant is classified as likely benign based on ACMG/AMP sequence variant interpretation guidelines (Richards et al. 2015 PMID: 25741868, with internal and published modifications).

Labcorp Genetics (formerly Invitae), Labcorp
Classification: Likely benign for Retinitis pigmentosa 71; Short-rib thoracic dysplasia 10 with or without polydactyly. Last evaluated: 2024-03-03. Review status: criteria provided, single submitter. Criteria: Invitae Variant Classification Sherloc (09022015). Collection method: clinical testing. Allele origin: germline.